The following is an entry in ClinVar:

ClinVar aggregate classification (germline): Uncertain significance (1 of 4 stars; one submission).

Allele frequency attached by ClinVar (database versions not stated): gnomAD exomes below 0.00001; TOPMed below 0.00001.
gnomAD v4.1: 5 of 1,614,044 alleles (0.00031%); highest among the groups gnomAD compares: South Asian, 0.0055%; no homozygotes.

Submission:

Labcorp Genetics (formerly Invitae), Labcorp
Classification: Uncertain significance. Last evaluated: 2020-10-04. Review status: criteria provided, single submitter. Criteria: Invitae Variant Classification Sherloc (09022015). Collection method: clinical testing. Allele origin: germline.
Comment: This sequence change falls in intron 27 of the CNGB1 gene. It does not directly change the encoded amino acid sequence of the CNGB1 protein, but it affects a nucleotide within the consensus splice site of the intron. This variant is not present in population databases (ExAC no frequency). This variant has not been reported in the literature in individuals with CNGB1-related conditions. Nucleotide substitutions within the consensus splice site are a relatively common cause of aberrant splicing (PMID: 17576681, 9536098). Algorithms developed to predict the effect of sequence changes on RNA splicing suggest that this variant may disrupt the consensus splice site, but this prediction has not been confirmed by published transcriptional studies. In summary, the available evidence is currently insufficient to determine the role of this variant in disease. Therefore, it has been classified as a Variant of Uncertain Significance.

Literature cited by the submitters: PubMed 17576681; PubMed 9536098.

NM_001297.5(CNGB1):c.2794+3A>G

Gene: CNGB1 (cyclic nucleotide gated channel subunit beta 1; minus strand). Cytogenetic location: 16q21.
Variant type: single nucleotide variant.
Coding change: c.2794+3A>G on transcript NM_001297.5 (MANE Select); 3 bases into the intron after coding-DNA position 2794, A replaced by G.
Molecular consequence: intron variant.
Genome position (GRCh38, 1-based): chr16:57,903,819, T>C on the plus strand (A>G on the coding strand, the complement: CNGB1 is on the minus strand). VCF-style: chr16-57903819-T-C. GRCh37 (hg19) VCF-style: chr16-57937723-T-C.
Other names: c.2776+3A>G (NM_001286130.2).
Identifiers: ClinVar variation 1022822 (VCV001022822.5), dbSNP rs1454218315, ClinGen allele CA622686871.